The following is an entry in ClinVar:

ClinVar aggregate classification (germline): Uncertain significance. Review status: criteria provided, multiple submitters, no conflicts (2 of 4 stars). 3 submissions from 3 submitters: Uncertain significance (3). Last evaluated 2025-12-11.

Conditions:
Inborn genetic diseases. Identifiers: MedGen C0950123, MeSH D030342.

Allele frequency attached by ClinVar (database versions not stated): 1000 Genomes Project 30x 0.00016; 1000 Genomes Project 0.00020; ExAC 0.00001; gnomAD 0.00001 and 0.00002; gnomAD exomes 0.00001.
gnomAD v4.1: 13 of 1,613,564 alleles (0.00081%); highest among the groups gnomAD compares: African/African-American, 0.0027%; no homozygotes.

Submissions (3):

Ambry Genetics
Classification: Uncertain significance for Inborn genetic diseases. Last evaluated: 2025-12-11. Review status: criteria provided, single submitter. Criteria: Ambry Variant Classification Scheme 2023. Collection method: clinical testing. Allele origin: germline.

Labcorp Genetics (formerly Invitae), Labcorp
Classification: Uncertain significance. Last evaluated: 2022-06-08. Review status: criteria provided, single submitter. Criteria: Invitae Variant Classification Sherloc (09022015). Collection method: clinical testing. Allele origin: germline.
Comment: In summary, the available evidence is currently insufficient to determine the role of this variant in disease. Therefore, it has been classified as a Variant of Uncertain Significance. Algorithms developed to predict the effect of missense changes on protein structure and function (SIFT, PolyPhen-2, Align-GVGD) all suggest that this variant is likely to be tolerated. This variant has not been reported in the literature in individuals affected with ATF6-related conditions. This variant is present in population databases (rs566071406, gnomAD 0.003%). This sequence change replaces valine, which is neutral and non-polar, with isoleucine, which is neutral and non-polar, at codon 661 of the ATF6 protein (p.Val661Ile).

Blueprint Genetics
Classification: Uncertain significance. Last evaluated: 2021-11-29. Review status: criteria provided, single submitter. Criteria: ACMG Guidelines, 2015. Collection method: clinical testing. Allele origin: germline.

NM_007348.4(ATF6):c.1981G>A (p.Val661Ile)

Gene: ATF6 (activating transcription factor 6; plus strand). Cytogenetic location: 1q23.3.
Variant type: single nucleotide variant.
Coding change: c.1981G>A on transcript NM_007348.4 (MANE Select); coding-DNA position 1981, G replaced by A.
Protein change: p.Val661Ile; replaces valine 661 with isoleucine.
Molecular consequence: missense variant.
Genome position (GRCh38, 1-based): chr1:161,958,622, G>A. VCF-style: chr1-161958622-G-A. GRCh37 (hg19) VCF-style: chr1-161928412-G-A.
Other names: c.1981G>A (NM_007348.3); short protein forms V661I.
Identifiers: ClinVar variation 1461747 (VCV001461747.8), dbSNP rs566071406, ClinGen allele CA1214650.